The following is an entry in ClinVar:

ClinVar aggregate classification (germline): Uncertain significance (1 of 4 stars; one submission).

Conditions:
Facioscapulohumeral muscular dystrophy 2 (FSHD2). Also called: MUSCULAR DYSTROPHY, FACIOSCAPULOHUMERAL, TYPE 1B; FACIOSCAPULOHUMERAL MUSCULAR DYSTROPHY 2, DIGENIC; FSHD2, DIGENIC. Identifiers: Orphanet 269, MedGen C1834671, MONDO:0008031, OMIM 158901.

gnomAD v4.1: 5 of 1,490,026 alleles (0.00034%); highest among the groups gnomAD compares: Non-Finnish European, 0.00036%; no homozygotes.

Submission:

Labcorp Genetics (formerly Invitae), Labcorp
Classification: Uncertain significance for Facioscapulohumeral muscular dystrophy 2. Last evaluated: 2024-07-08. Review status: criteria provided, single submitter. Criteria: Invitae Variant Classification Sherloc (09022015). Collection method: clinical testing. Allele origin: germline.
Comment: This sequence change replaces aspartic acid, which is acidic and polar, with tyrosine, which is neutral and polar, at codon 19 of the SMCHD1 protein (p.Asp19Tyr). This variant is not present in population databases (gnomAD no frequency). This variant has not been reported in the literature in individuals affected with SMCHD1-related conditions. An algorithm developed to predict the effect of missense changes on protein structure and function (PolyPhen-2) suggests that this variant is likely to be tolerated. In summary, the available evidence is currently insufficient to determine the role of this variant in disease. Therefore, it has been classified as a Variant of Uncertain Significance.

NM_015295.3(SMCHD1):c.55G>T (p.Asp19Tyr)

Gene: SMCHD1 (structural maintenance of chromosomes flexible hinge domain containing 1; plus strand). Cytogenetic location: 18p11.32.
Variant type: single nucleotide variant.
Coding change: c.55G>T on transcript NM_015295.3 (MANE Select); coding-DNA position 55, G replaced by T.
Protein change: p.Asp19Tyr; replaces aspartic acid 19 with tyrosine.
Molecular consequence: missense variant.
Genome position (GRCh38, 1-based): chr18:2,656,130, G>T. VCF-style: chr18-2656130-G-T. GRCh37 (hg19) VCF-style: chr18-2656129-G-T.
Other names: short protein forms D19Y.
Identifiers: ClinVar variation 3704482 (VCV003704482.2).